The following is an entry in ClinVar:

ClinVar aggregate classification (germline): Uncertain significance (1 of 4 stars; one submission).

Submission:

GeneDx
Classification: Uncertain significance. Last evaluated: 2019-10-14. Review status: criteria provided, single submitter. Criteria: GeneDx Variant Classification Process June 2021. Collection method: clinical testing. Allele origin: germline. Affected: yes.
Comment: Not observed in large population cohorts (Lek et al., 2016); In silico analysis, which includes protein predictors and evolutionary conservation, supports a deleterious effect; Has not been previously published as pathogenic or benign to our knowledge

NM_000141.5(FGFR2):c.1723T>C (p.Tyr575His)

Gene: FGFR2 (fibroblast growth factor receptor 2; minus strand). Cytogenetic location: 10q26.13.
Variant type: single nucleotide variant.
Coding change: c.1723T>C on transcript NM_000141.5 (MANE Select); coding-DNA position 1723, T replaced by C.
Protein change: p.Tyr575His; replaces tyrosine 575 with histidine.
Molecular consequence: missense variant. On other transcripts: non-coding transcript variant (1).
Genome position (GRCh38, 1-based): chr10:121,496,672, A>G on the plus strand (T>C on the coding strand, the complement: FGFR2 is on the minus strand). VCF-style: chr10-121496672-A-G. GRCh37 (hg19) VCF-style: chr10-123256186-A-G.
Other names: c.1726T>C, p.Tyr576His (NM_001144913.1, NM_022970.4); c.1387T>C, p.Tyr463His (NM_001144914.1); c.1456T>C, p.Tyr486His (NM_001144915.2, NM_023029.3); c.1378T>C, p.Tyr460His (NM_001144916.2); c.1375T>C, p.Tyr459His (NM_001144917.2); c.1372T>C, p.Tyr458His (NM_001144918.2); c.1459T>C, p.Tyr487His (NM_001144919.2); c.1039T>C, p.Tyr347His (NM_001320654.2); and 1 more; short protein forms Y347H, Y458H, Y459H, Y460H, Y463H, Y486H, Y487H, Y573H.
Identifiers: ClinVar variation 1318740 (VCV001318740.2), dbSNP rs2133942461, ClinGen allele CA378320470.
Genomic context (GRCh38, chr10:121,496,672, plus strand): 5'-CAGGAACACGGTTAATGTCATAGGAGTACTCCATCCCGGGTGGCCTCCGGGCTCGGAGGT[A>G]TTCTCGGAGGTTGCCTTTAGAGGCATACTCAACTATGACATAGAGAGGCCCTGTTGAGGA-3'
Protein context (NP_000132.3, residues 565-585): EYASKGNLRE[Tyr575His]LRARRPPGME